The following is an entry in ClinVar:

ClinVar aggregate classification (germline): Uncertain significance (1 of 4 stars; one submission).

Conditions:
KMT2A-related disorder. Also called: KMT2A-related condition.

gnomAD v4.1: 2 of 1,613,980 alleles (0.00012%); highest among the groups gnomAD compares: Non-Finnish European, 0.00017%; no homozygotes.

Submission:

PreventionGenetics, part of Exact Sciences
Classification: Uncertain significance for KMT2A-related condition. Last evaluated: 2024-11-06. Review status: criteria provided, single submitter. Criteria: ACMG Guidelines, 2015. Collection method: clinical testing. Allele origin: germline.
Comment: The KMT2A c.7253A>G variant is predicted to result in the amino acid substitution p.Asn2418Ser. To our knowledge, this variant has not been reported in the literature or in a large population database (gnomAD), indicating this variant is rare. At this time, the clinical significance of this variant is uncertain due to the absence of conclusive functional and genetic evidence.

NM_001197104.2(KMT2A):c.7253A>G (p.Asn2418Ser)

Gene: KMT2A (lysine methyltransferase 2A; plus strand). Cytogenetic location: 11q23.3.
Variant type: single nucleotide variant.
Coding change: c.7253A>G on transcript NM_001197104.2 (MANE Select); coding-DNA position 7253, A replaced by G.
Protein change: p.Asn2418Ser; replaces asparagine 2418 with serine.
Molecular consequence: missense variant.
Genome position (GRCh38, 1-based): chr11:118,503,145, A>G. VCF-style: chr11-118503145-A-G. GRCh37 (hg19) VCF-style: chr11-118373860-A-G.
Other names: c.7343A>G, p.Asn2448Ser (NM_001412597.1); c.7244A>G, p.Asn2415Ser (NM_005933.4); short protein forms N2415S, N2448S, N2418S.
Identifiers: ClinVar variation 5001186 (VCV005001186.1).